The following is an entry in ClinVar:

NM_000260.4(MYO7A):c.4762G>T (p.Glu1588Ter)

Gene: MYO7A (myosin VIIA; plus strand). Cytogenetic location: 11q13.5.
Variant type: single nucleotide variant.
Coding change: c.4762G>T on transcript NM_000260.4 (MANE Select); coding-DNA position 4762, G replaced by T.
Protein change: p.Glu1588Ter; replaces glutamic acid 1588 with a stop codon.
Molecular consequence: nonsense.
Genome position (GRCh38, 1-based): chr11:77,199,728, G>T. VCF-style: chr11-77199728-G-T. GRCh37 (hg19) VCF-style: chr11-76910773-G-T.
Other names: c.4648G>T, p.Glu1550Ter (NM_001127180.2); c.4615G>T, p.Glu1539Ter (NM_001369365.1); short protein forms E1539*, E1550*, E1588*.
Identifiers: ClinVar variation 983738 (VCV000983738.3), dbSNP rs1181067492, ClinGen allele CA381950880.
Genomic context (GRCh38, chr11:77,199,728, plus strand): 5'-CCCAGCTTCACGCTGGCCACCATCAAGGGGGACGAATACACCTTCACCTCCAGCAATGCT[G>T]AGGACATTCGTGACCTGGTGGTCACCTTCCTAGAGGGGCTCCGGAAGAGATCTAAGTATG-3'

ClinVar aggregate classification (germline): Likely pathogenic (1 of 4 stars; one submission).

Conditions:
Usher syndrome type 1 (USH1). Also called: RETINITIS PIGMENTOSA AND CONGENITAL DEAFNESS. Identifiers: Orphanet 231169, Orphanet 886, MedGen C1568247, MONDO:0010168, OMIM 276900.

Submission:

Myriad Genetics, Inc.
Classification: Likely pathogenic for Usher syndrome type 1. Last evaluated: 2019-09-29. Review status: criteria provided, single submitter. Criteria: Myriad Women's Health Autosomal Recessive and X-Linked Classification Criteria (2019). Collection method: clinical testing. Allele origin: unknown.
Comment: NM_000260.3(MYO7A):c.4762G>T(E1588*) is expected to be pathogenic in the context of MYO7A-related disorders. This variant is predicted to lead to an abnormal or absent protein product due to the creation of a premature termination codon in MYO7A, a gene where loss-of-function variants are known to be pathogenic. Please note: this variant was assessed in the context of healthy population screening.